The following is an entry in ClinVar:

NM_206933.4(USH2A):c.11361T>A (p.Tyr3787Ter)

Gene: USH2A (usherin; minus strand). Cytogenetic location: 1q41.
Variant type: single nucleotide variant.
Coding change: c.11361T>A on transcript NM_206933.4 (MANE Select); coding-DNA position 11361, T replaced by A.
Protein change: p.Tyr3787Ter; replaces tyrosine 3787 with a stop codon.
Molecular consequence: nonsense.
Genome position (GRCh38, 1-based): chr1:215,758,623, A>T on the plus strand (T>A on the coding strand, the complement: USH2A is on the minus strand). VCF-style: chr1-215758623-A-T. GRCh37 (hg19) VCF-style: chr1-215931965-A-T.
Other names: short protein forms Y3787*.
Identifiers: ClinVar variation 968847 (VCV000968847.8), dbSNP rs1660884486, ClinGen allele CA344820483.
Genomic context (GRCh38, chr1:215,758,623, plus strand): 5'-CACACACACACATACTTCTTTTTTTTTTTTACCTGGTGGTATCCAAGCTACAAATATAGA[A>T]TAAGGCCCAATTACTGTGATATTATATGGAGGATAGATTTCTTCTGGTGTTGACATAGGT-3'

ClinVar aggregate classification (germline): Pathogenic. Review status: criteria provided, multiple submitters, no conflicts (2 of 4 stars). 2 submissions from 2 submitters: Pathogenic (2). Last evaluated 2024-05-08.

Conditions:
USH2A-related disorder. Also called: USH2A-related disorders; USH2A-related condition. Identifiers: MedGen CN239332.

Submissions (2):

Myriad Genetics, Inc.
Classification: Pathogenic for USH2A-related disorder. Last evaluated: 2024-05-08. Review status: criteria provided, single submitter. Criteria: Myriad Autosomal Dominant, Autosomal Recessive and X-Linked Classification Criteria (2023). Collection method: clinical testing. Allele origin: unknown.
Comment: NM_206933.2(USH2A):c.11361T>A(Y3787*) is expected to be pathogenic in the context of USH2A-related disorders. This variant is predicted to lead to an abnormal or absent protein product due to the creation of a premature termination codon in USH2A, a gene where loss-of-function variants are known to be pathogenic. Please note: this variant was assessed in the context of healthy population screening.

Labcorp Genetics (formerly Invitae), Labcorp
Classification: Pathogenic. Last evaluated: 2019-10-05. Review status: criteria provided, single submitter. Criteria: Invitae Variant Classification Sherloc (09022015). Collection method: clinical testing. Allele origin: germline.
Comment: This variant has not been reported in the literature in individuals with USH2A-related conditions. This variant is not present in population databases (ExAC no frequency). Loss-of-function variants in USH2A are known to be pathogenic (PMID: 10729113, 10909849, 20507924, 25649381). This sequence change creates a premature translational stop signal (p.Tyr3787*) in the USH2A gene. It is expected to result in an absent or disrupted protein product. For these reasons, this variant has been classified as Pathogenic.

Literature cited by the submitters: PubMed 10729113 (cited by Labcorp Genetics (formerly Invitae), Labcorp); PubMed 10909849 (cited by Labcorp Genetics (formerly Invitae), Labcorp); PubMed 20507924 (cited by Labcorp Genetics (formerly Invitae), Labcorp); PubMed 25649381 (cited by Labcorp Genetics (formerly Invitae), Labcorp).